The following is an entry in ClinVar:

NM_182914.3(SYNE2):c.20338C>T (p.Arg6780Trp)

Gene: SYNE2 (spectrin repeat containing nuclear envelope protein 2; plus strand). Cytogenetic location: 14q23.2.
Variant type: single nucleotide variant.
Coding change: c.20338C>T on transcript NM_182914.3 (MANE Select); coding-DNA position 20338, C replaced by T.
Protein change: p.Arg6780Trp; replaces arginine 6780 with tryptophan.
Molecular consequence: missense variant.
Genome position (GRCh38, 1-based): chr14:64,223,336, C>T. VCF-style: chr14-64223336-C-T. GRCh37 (hg19) VCF-style: chr14-64690054-C-T.
Other names: c.20269C>T, p.Arg6757Trp (NM_015180.6); c.904C>T, p.Arg302Trp (NM_182910.2); c.1282C>T, p.Arg428Trp (NM_182913.4); short protein forms R302W, R428W, R6780W, R6757W.
Identifiers: ClinVar variation 944763 (VCV000944763.12), dbSNP rs138437515, ClinGen allele CA7224807.
Genomic context (GRCh38, chr14:64,223,336, plus strand): 5'-GAAGACTGTATTGAAGCTGAAGAAAAGGTGCATGTTATTGAGAAGAAACTCAAACAGTTA[C>T]GGGAGCAAGTGTCCCAAGATTTAATGGCCTTGCAGGGAACCCAGGTGAGTCTACTTGTAG-3'
Protein context (NP_878918.2, residues 6770-6790): HVIEKKLKQL[Arg6780Trp]EQVSQDLMAL

ClinVar aggregate classification (germline): Uncertain significance. Review status: criteria provided, multiple submitters, no conflicts (2 of 4 stars). 2 submissions from 2 submitters: Uncertain significance (2). Last evaluated 2025-09-10.

Conditions:
Emery-Dreifuss muscular dystrophy 5, autosomal dominant (EDMD5). Also called: EMERY-DREIFUSS MUSCULAR DYSTROPHY 5. Identifiers: Orphanet 261, MedGen C2751805, MONDO:0013072, OMIM 612999.

Allele frequency attached by ClinVar (database versions not stated): TOPMed 0.00007; ESP Exome Variant Server 0.00008.
gnomAD v4.1: 72 of 1,614,008 alleles (0.0045%); highest among the groups gnomAD compares: African/African-American, 0.0093%; no homozygotes.

Submissions (2):

Ambry Genetics
Classification: Uncertain significance. Last evaluated: 2025-09-10. Review status: criteria provided, single submitter. Criteria: Ambry Variant Classification Scheme 2023. Collection method: clinical testing. Allele origin: germline.

Labcorp Genetics (formerly Invitae), Labcorp
Classification: Uncertain significance for Emery-Dreifuss muscular dystrophy 5, autosomal dominant. Last evaluated: 2025-01-27. Review status: criteria provided, single submitter. Criteria: Invitae Variant Classification Sherloc (09022015). Collection method: clinical testing. Allele origin: germline.
Comment: This sequence change replaces arginine, which is basic and polar, with tryptophan, which is neutral and slightly polar, at codon 6780 of the SYNE2 protein (p.Arg6780Trp). This variant is present in population databases (rs138437515, gnomAD 0.01%). This variant has not been reported in the literature in individuals affected with SYNE2-related conditions. ClinVar contains an entry for this variant (Variation ID: 944763). An algorithm developed to predict the effect of missense changes on protein structure and function (PolyPhen-2) suggests that this variant is likely to be disruptive. In summary, the available evidence is currently insufficient to determine the role of this variant in disease. Therefore, it has been classified as a Variant of Uncertain Significance.